The following is an entry in ClinVar:

NM_000202.8(IDS):c.1323T>G (p.His441Gln)

Gene: IDS (iduronate 2-sulfatase; minus strand). Cytogenetic location: Xq28.
Variant type: single nucleotide variant.
Coding change: c.1323T>G on transcript NM_000202.8 (MANE Select); coding-DNA position 1323, T replaced by G.
Protein change: p.His441Gln; replaces histidine 441 with glutamine.
Molecular consequence: missense variant.
Genome position (GRCh38, 1-based): chrX:149,483,076, A>C on the plus strand (T>G on the coding strand, the complement: IDS is on the minus strand). VCF-style: chrX-149483076-A-C. GRCh37 (hg19) VCF-style: chrX-148564607-A-C.
Other names: c.1053T>G, p.His351Gln (NM_001166550.4); short protein forms H351Q, H441Q.
Identifiers: ClinVar variation 3365393 (VCV003365393.1).
Genomic context (GRCh38, chrX:149,483,076, plus strand): 5'-AATCAGTTCACGGGGATTACCAGGGAGGTACGGATCCTCTTCCAAGTCACGGAATCGAAA[A>C]TGCTTCAGAAGGTTCTTGCCTTCTCTGCACAGCTCAACGTGAAATGAAGGAACGGGGCAG-3'
Protein context (NP_000193.1, residues 431-451): LCREGKNLLK[His441Gln]FRFRDLEEDP

ClinVar aggregate classification (germline): Uncertain significance (1 of 4 stars; one submission).

Submission:

GeneDx
Classification: Uncertain significance. Last evaluated: 2023-12-11. Review status: criteria provided, single submitter. Criteria: GeneDx Variant Classification Process June 2021. Collection method: clinical testing. Allele origin: germline. Affected: yes.
Comment: In silico analysis supports that this missense variant does not alter protein structure/function; Not observed at significant frequency in large population cohorts (gnomAD); Has not been previously published as pathogenic or benign to our knowledge